The following is an entry in ClinVar:

NM_001377.3(DYNC2H1):c.2005A>G (p.Lys669Glu)

Gene: DYNC2H1 (dynein cytoplasmic 2 heavy chain 1; plus strand). Cytogenetic location: 11q22.3.
Variant type: single nucleotide variant.
Coding change: c.2005A>G on transcript NM_001377.3 (MANE Select); coding-DNA position 2005, A replaced by G.
Protein change: p.Lys669Glu; replaces lysine 669 with glutamic acid.
Molecular consequence: missense variant.
Genome position (GRCh38, 1-based): chr11:103,133,606, A>G. VCF-style: chr11-103133606-A-G. GRCh37 (hg19) VCF-style: chr11-103004335-A-G.
Other names: c.2005A>G, p.Lys669Glu (NM_001080463.2); short protein forms K669E.
Identifiers: ClinVar variation 194349 (VCV000194349.22), dbSNP rs189533535, ClinGen allele CA240270.

ClinVar aggregate classification (germline): Conflicting classifications of pathogenicity. Review status: criteria provided, conflicting classifications (1 of 4 stars). 5 submissions from 5 submitters: Uncertain significance (2); Benign (1); Likely benign (2). Last evaluated 2026-01-19.

Conditions:
DYNC2H1-related disorder. Also called: DYNC2H1-related condition; DYNC2H1-related disorders. Identifiers: MedGen CN378770.
Jeune thoracic dystrophy. Also called: Jeune syndrome; Short-rib thoracic dysplasia; Infantile thoracic dystrophy; Thoracic pelvic phalangeal dystrophy; Jeune's syndrome; Chondroectodermal dysplasia-like syndrome. Identifiers: Orphanet 474, MedGen C0265275, MONDO:0018770.

Allele frequency attached by ClinVar (database versions not stated): gnomAD exomes 0.00005 and 0.00026; gnomAD 0.00006 and 0.00013; TOPMed 0.00006; ExAC 0.00032; 1000 Genomes Project 30x 0.00141; 1000 Genomes Project 0.00180.
gnomAD v4.1: 84 of 1,611,560 alleles (0.0052%); highest among the groups gnomAD compares: East Asian, 0.16%; 1 homozygote.

Submissions (5):

Labcorp Genetics (formerly Invitae), Labcorp
Classification: Likely benign for Jeune thoracic dystrophy. Last evaluated: 2026-01-19. Review status: criteria provided, single submitter. Criteria: Invitae Variant Classification Sherloc (09022015). Collection method: clinical testing. Allele origin: germline.

GeneDx
Classification: Uncertain significance. Last evaluated: 2024-11-11. Review status: criteria provided, single submitter. Criteria: GeneDx Variant Classification Process June 2021. Collection method: clinical testing. Allele origin: germline. Affected: yes.
Comment: In silico analysis indicates that this missense variant does not alter protein structure/function; Has not been previously published as pathogenic or benign to our knowledge

PreventionGenetics, part of Exact Sciences
Classification: Likely benign for DYNC2H1-related condition. Last evaluated: 2024-10-28. Review status: criteria provided, single submitter. Criteria: ACMG Guidelines, 2015. Collection method: clinical testing. Allele origin: germline.
Comment: This variant is classified as likely benign based on ACMG/AMP sequence variant interpretation guidelines (Richards et al. 2015 PMID: 25741868, with internal and published modifications).

Blueprint Genetics
Classification: Benign. Last evaluated: 2024-09-23. Review status: criteria provided, single submitter. Criteria: ACMG Guidelines, 2015. Collection method: clinical testing. Allele origin: germline.

Eurofins Ntd Llc (ga)
Classification: Uncertain significance. Last evaluated: 2014-10-20. Review status: criteria provided, single submitter. Criteria: EGL Classification Definitions 2015. Collection method: clinical testing. Allele origin: germline. Observed: 1 variant allele, 1 heterozygote.